The following is an entry in ClinVar:

NM_000811.3(GABRA6):c.1210C>T (p.Pro404Ser)

Gene: GABRA6 (gamma-aminobutyric acid type A receptor subunit alpha6; plus strand). Cytogenetic location: 5q34.
Variant type: single nucleotide variant.
Coding change: c.1210C>T on transcript NM_000811.3 (MANE Select); coding-DNA position 1210, C replaced by T.
Protein change: p.Pro404Ser; replaces proline 404 with serine.
Molecular consequence: missense variant.
Genome position (GRCh38, 1-based): chr5:161,701,621, C>T. VCF-style: chr5-161701621-C-T. GRCh37 (hg19) VCF-style: chr5-161128627-C-T.
Other names: c.1210C>T (NM_000811.2); short protein forms P404S.
Identifiers: ClinVar variation 1168450 (VCV001168450.11), dbSNP rs34907804, ClinGen allele CA3544142.

ClinVar aggregate classification (germline): Benign. Review status: criteria provided, single submitter (1 of 4 stars). 2 submissions from 2 submitters: Benign (1). 1 of the submissions does not count toward it. Last evaluated 2025-01-06.

Conditions:
Childhood absence epilepsy. Identifiers: Orphanet 64280, MedGen C4281785, MONDO:0010826.
GABRA6-related disorder. Also called: GABRA6-related condition.

Allele frequency attached by ClinVar (database versions not stated): gnomAD exomes 0.06528 and 0.06934; ExAC 0.06633; 1000 Genomes Project 0.07288; 1000 Genomes Project 30x 0.07573; gnomAD 0.08273 and 0.08568; TOPMed 0.08814; ESP Exome Variant Server 0.09280.

Submissions (2):

Labcorp Genetics (formerly Invitae), Labcorp
Classification: Benign for Childhood absence epilepsy. Last evaluated: 2025-01-06. Review status: criteria provided, single submitter. Criteria: Invitae Variant Classification Sherloc (09022015). Collection method: clinical testing. Allele origin: germline.

PreventionGenetics, part of Exact Sciences
Classification: Benign for GABRA6-related condition. Last evaluated: 2019-11-06. Review status: no assertion criteria provided. Collection method: clinical testing. Allele origin: germline. Not counted in ClinVar's aggregate classification.
Comment: This variant is classified as benign based on ACMG/AMP sequence variant interpretation guidelines (Richards et al. 2015 PMID: 25741868, with internal and published modifications).